The following is an entry in ClinVar:

ClinVar aggregate classification (germline): Uncertain significance (1 of 4 stars; one submission).

Submission:

Labcorp Genetics (formerly Invitae), Labcorp
Classification: Uncertain significance. Last evaluated: 2024-07-23. Review status: criteria provided, single submitter. Criteria: Invitae Variant Classification Sherloc (09022015). Collection method: clinical testing. Allele origin: germline.
Comment: This sequence change falls in intron 4 of the SERPING1 gene. It does not directly change the encoded amino acid sequence of the SERPING1 protein. This variant is not present in population databases (gnomAD no frequency). This variant has not been reported in the literature in individuals affected with SERPING1-related conditions. Algorithms developed to predict the effect of sequence changes on RNA splicing suggest that this variant may disrupt the consensus splice site. In summary, the available evidence is currently insufficient to determine the role of this variant in disease. Therefore, it has been classified as a Variant of Uncertain Significance.

NM_000062.3(SERPING1):c.686-8_686-7insGGCAA

Gene: SERPING1 (serpin family G member 1; plus strand). Cytogenetic location: 11q12.1.
Variant type: Insertion.
Coding change: c.686-8_686-7insGGCAA on transcript NM_000062.3 (MANE Select); 8 bases into the intron before coding-DNA position 686 through 7 bases into the intron before coding-DNA position 686, GGCAA inserted.
Molecular consequence: intron variant.
Genome position: GRCh38 VCF-style: chr11-57606001-T-TAGGCA. GRCh37 (hg19) VCF-style: chr11-57373474-T-TAGGCA.
Other names: c.686-8_686-7insGGCAA (NM_001032295.2).
Identifiers: ClinVar variation 3637826 (VCV003637826.2).